The following is an entry in ClinVar:

ClinVar aggregate classification (germline): Uncertain significance (1 of 4 stars; one submission).

Submissions (2):

GeneDx
Classification: Uncertain significance. Last evaluated: 2019-09-04. Review status: criteria provided, single submitter. Criteria: GeneDx Variant Classification Process June 2021. Collection method: clinical testing. Allele origin: germline. Affected: yes.
Comment: Not observed in large population cohorts (Lek et al., 2016); In silico analysis, which includes protein predictors and evolutionary conservation, supports a deleterious effect; In addition, in silico splice predictors suggest this variant may lead to abnormal gene splicing; Has not been previously published as pathogenic or benign to our knowledge

Dr. Peter K. Rogan Lab, Western University
No classification provided (evidence only). Condition: Thyroid cancer, nonmedullary, 1. Review status: no classification provided. Collection method: in vitro. Allele origin: not applicable. Functional consequence: retained intron. Not counted in ClinVar's aggregate classification.

NM_001110556.2(FLNA):c.2135A>G (p.Gln712Arg)

Gene: FLNA (filamin A; minus strand). Cytogenetic location: Xq28.
Variant type: single nucleotide variant.
Coding change: c.2135A>G on transcript NM_001110556.2 (MANE Select); coding-DNA position 2135, A replaced by G.
Protein change: p.Gln712Arg; replaces glutamine 712 with arginine.
Molecular consequence: missense variant.
Genome position (GRCh38, 1-based): chrX:154,364,260, T>C on the plus strand (A>G on the coding strand, the complement: FLNA is on the minus strand). VCF-style: chrX-154364260-T-C. GRCh37 (hg19) VCF-style: chrX-153592628-T-C.
Other names: NC_000023.10:g.153592628T>C; c.2135A>G, p.Gln712Arg (NM_001456.4); short protein forms Q712R.
Identifiers: ClinVar variation 1311344 (VCV001311344.3), dbSNP rs2148115940, ClinGen allele CA415238331.